The following is an entry in ClinVar:

NC_000016.10:g.(89770635_89771677)_(89771815_89773270)del

Gene: FANCA (FA complementation group A; minus strand). Cytogenetic location: 16q24.3.
Variant type: Deletion.
Identifiers: ClinVar variation 974231 (VCV000974231.1).

ClinVar aggregate classification (germline): Uncertain significance (0 of 4 stars; one submission).

Conditions:
Fanconi anemia complementation group A (FANCA). Also called: Fanconi anemia, group A; FANCA-Related Fanconi Anemia. Identifiers: Orphanet 84, MedGen C3469521, MONDO:0009215, OMIM 227650.

Submission:

Leiden Open Variation Database
Classification: Uncertain significance for Fanconi anemia complementation group A. Last evaluated: 2020-02-28. Review status: no assertion criteria provided. Collection method: curation. Allele origin: germline. Affected: yes.
Comment: Curator: Arleen D. Auerbach. Submitter to LOVD: Arleen D. Auerbach.